The following is an entry in ClinVar:

ClinVar aggregate classification (germline): Uncertain significance (1 of 4 stars; one submission).

Submission:

Labcorp Genetics (formerly Invitae), Labcorp
Classification: Uncertain significance. Last evaluated: 2022-04-15. Review status: criteria provided, single submitter. Criteria: Invitae Variant Classification Sherloc (09022015). Collection method: clinical testing. Allele origin: germline.
Comment: This sequence change falls in intron 28 of the COL18A1 gene. It does not directly change the encoded amino acid sequence of the COL18A1 protein. This variant is not present in population databases (gnomAD no frequency). This variant has not been reported in the literature in individuals affected with COL18A1-related conditions. Algorithms developed to predict the effect of sequence changes on RNA splicing suggest that this variant may create or strengthen a splice site. In summary, the available evidence is currently insufficient to determine the role of this variant in disease. Therefore, it has been classified as a Variant of Uncertain Significance.

NM_001379500.1(COL18A1):c.2433+14G>A

Gene: COL18A1 (collagen type XVIII alpha 1 chain; plus strand). Cytogenetic location: 21q22.3.
Variant type: single nucleotide variant.
Coding change: c.2433+14G>A on transcript NM_001379500.1 (MANE Select); 14 bases into the intron after coding-DNA position 2433, G replaced by A.
Molecular consequence: intron variant.
Genome position (GRCh38, 1-based): chr21:45,494,929, G>A. VCF-style: chr21-45494929-G-A. GRCh37 (hg19) VCF-style: chr21-46914843-G-A.
Other names: c.3678+14G>A (NM_130444.3); c.2973+14G>A (NM_030582.4).
Identifiers: ClinVar variation 2126408 (VCV002126408.4), dbSNP rs1346774402, ClinGen allele CA2392183625.